The following is an entry in ClinVar:

ClinVar aggregate classification (germline): Uncertain significance (1 of 4 stars; one submission).

Conditions:
Charcot-Marie-Tooth disease type 4. Also called: Charcot-Marie-Tooth disease, type IV; Charcot-Marie-Tooth, Type 4. Identifiers: Orphanet 64749, MedGen C4082197, MONDO:0018995.

Allele frequency attached by ClinVar (database versions not stated): gnomAD exomes below 0.00001; TOPMed below 0.00001; gnomAD 0.00001.
gnomAD v4.1: 3 of 1,609,140 alleles (0.00019%); highest among the groups gnomAD compares: Admixed American, 0.0033%; no homozygotes.

Submission:

Labcorp Genetics (formerly Invitae), Labcorp
Classification: Uncertain significance for Charcot-Marie-Tooth disease type 4. Last evaluated: 2017-04-25. Review status: criteria provided, single submitter. Criteria: Invitae Variant Classification Sherloc (09022015). Collection method: clinical testing. Allele origin: germline.
Comment: In summary, this variant is a novel missense change with uncertain impact on protein function. It has been classified as a Variant of Uncertain Significance. Algorithms developed to predict the effect of missense changes on protein structure and function do not agree on the potential impact of this missense change (SIFT: "Deleterious"; PolyPhen-2: "Benign"; Align-GVGD: "Class C0"). This variant is not present in population databases (ExAC no frequency) and has not been reported in the literature in individuals with a PRX-related disease. This sequence change replaces aspartic acid with valine at codon 1140 of the PRX protein (p.Asp1140Val). The aspartic acid residue is weakly conserved and there is a large physicochemical difference between aspartic acid and valine.

NM_181882.3(PRX):c.3419A>T (p.Asp1140Val)

Gene: PRX (periaxin; minus strand). Cytogenetic location: 19q13.2.
Variant type: single nucleotide variant.
Coding change: c.3419A>T on transcript NM_181882.3 (MANE Select); coding-DNA position 3419, A replaced by T.
Protein change: p.Asp1140Val; replaces aspartic acid 1140 with valine.
Molecular consequence: missense variant. On other transcripts: 3 prime UTR variant (1).
Genome position (GRCh38, 1-based): chr19:40,394,933, T>A on the plus strand (A>T on the coding strand, the complement: PRX is on the minus strand). VCF-style: chr19-40394933-T-A. GRCh37 (hg19) VCF-style: chr19-40900840-T-A.
Other names: c.*3624A>T (NM_020956.2); short protein forms D1140V.
Identifiers: ClinVar variation 476964 (VCV000476964.8), dbSNP rs923473427, ClinGen allele CA308416967.
Genomic context (GRCh38, chr19:40,394,933, plus strand): 5'-AAGCCGGTCAGCTCCACCTGTGGCAGGGAGATGCCCAGCGGAGGCATCCTCAGCCCCGCG[T>A]CATGGCCCTCAGTGACCACCTGCCCGGCTGTGGACACCTTCAGGCCTGACAGCTGCATTC-3'
Protein context (NP_870998.2, residues 1130-1150): TAGQVVTEGH[Asp1140Val]AGLRMPPLGI